The following is an entry in ClinVar:

NM_006206.6(PDGFRA):c.1694T>C (p.Ile565Thr)

Gene: PDGFRA (platelet derived growth factor receptor alpha; plus strand). Cytogenetic location: 4q12.
Variant type: single nucleotide variant.
Coding change: c.1694T>C on transcript NM_006206.6 (MANE Select); coding-DNA position 1694, T replaced by C.
Protein change: p.Ile565Thr; replaces isoleucine 565 with threonine.
Molecular consequence: missense variant.
Genome position (GRCh38, 1-based): chr4:54,274,881, T>C. VCF-style: chr4-54274881-T-C. GRCh37 (hg19) VCF-style: chr4-55141048-T-C.
Other names: c.1694T>C (NM_006206.4); c.1694T>C, p.Ile565Thr (NM_001347827.2, NM_001347829.2); c.1769T>C, p.Ile590Thr (NM_001347828.2); c.1733T>C, p.Ile578Thr (NM_001347830.2); short protein forms I565T, I578T, I590T.
Identifiers: ClinVar variation 1006898 (VCV001006898.11), dbSNP rs1723632913, ClinGen allele CA356893103.

ClinVar aggregate classification (germline): Uncertain significance. Review status: criteria provided, multiple submitters, no conflicts (2 of 4 stars). 3 submissions from 3 submitters: Uncertain significance (3). Last evaluated 2024-03-26.

Conditions:
Polyps, multiple and recurrent inflammatory fibroid, gastrointestinal. Identifiers: MedGen C5193005, MONDO:0008285, OMIM 175510.
Hereditary cancer-predisposing syndrome. Also called: Neoplastic Syndromes, Hereditary; Hereditary Cancer Syndrome; Hereditary neoplastic syndrome; Tumor predisposition. Identifiers: Orphanet 140162, MedGen C0027672, MeSH D009386, MONDO:0015356.
Gastrointestinal stromal tumor. Also called: Gastrointestinal stromal tumor, somatic; Gastrointestinal stroma tumor. Identifiers: Orphanet 44890, MedGen C0238198, MeSH D046152, MONDO:0011719, OMIM 606764, HP:0100723.

Allele frequency attached by ClinVar (database versions not stated): TOPMed below 0.00001.

Submissions (3):

Baylor Genetics
Classification: Uncertain significance for Polyps, multiple and recurrent inflammatory fibroid, gastrointestinal. Last evaluated: 2024-03-26. Review status: criteria provided, single submitter. Criteria: ACMG Guidelines, 2015. Collection method: clinical testing. Allele origin: unknown.

Ambry Genetics
Classification: Uncertain significance for Hereditary cancer-predisposing syndrome. Last evaluated: 2023-10-08. Review status: criteria provided, single submitter. Criteria: Ambry Variant Classification Scheme 2023. Collection method: clinical testing. Allele origin: germline.
Comment: The p.I565T variant (also known as c.1694T>C), located in coding exon 11 of the PDGFRA gene, results from a T to C substitution at nucleotide position 1694. The isoleucine at codon 565 is replaced by threonine, an amino acid with similar properties. This amino acid position is conserved. In addition, the in silico prediction for this alteration is inconclusive. Since supporting evidence is limited at this time, the clinical significance of this alteration remains unclear.

Labcorp Genetics (formerly Invitae), Labcorp
Classification: Uncertain significance for Gastrointestinal stromal tumor. Last evaluated: 2022-05-21. Review status: criteria provided, single submitter. Criteria: Invitae Variant Classification Sherloc (09022015). Collection method: clinical testing. Allele origin: germline.
Comment: In summary, the available evidence is currently insufficient to determine the role of this variant in disease. Therefore, it has been classified as a Variant of Uncertain Significance. Algorithms developed to predict the effect of missense changes on protein structure and function (SIFT, PolyPhen-2, Align-GVGD) all suggest that this variant is likely to be tolerated. ClinVar contains an entry for this variant (Variation ID: 1006898). This variant has not been reported in the literature in individuals affected with PDGFRA-related conditions. This variant is not present in population databases (gnomAD no frequency). This sequence change replaces isoleucine, which is neutral and non-polar, with threonine, which is neutral and polar, at codon 565 of the PDGFRA protein (p.Ile565Thr).